The following is an entry in ClinVar:

NM_020207.7(ERCC6L2):c.1630T>C (p.Cys544Arg)

Gene: ERCC6L2 (ERCC excision repair 6 like 2; plus strand). Cytogenetic location: 9q22.32.
Variant type: single nucleotide variant.
Coding change: c.1630T>C on transcript NM_020207.7 (MANE Select); coding-DNA position 1630, T replaced by C.
Protein change: p.Cys544Arg; replaces cysteine 544 with arginine.
Molecular consequence: missense variant. On other transcripts: non-coding transcript variant (1).
Genome position (GRCh38, 1-based): chr9:95,928,743, T>C. VCF-style: chr9-95928743-T-C. GRCh37 (hg19) VCF-style: chr9-98691025-T-C.
Other names: c.1630T>C, p.Cys544Arg (NM_001010895.4, NM_001375291.1, NM_001375292.1 and 2 more transcripts); short protein forms C544R.
Identifiers: ClinVar variation 2842954 (VCV002842954.4), dbSNP rs2490229213, ClinGen allele CA374125887.

ClinVar aggregate classification (germline): Uncertain significance. Review status: criteria provided, multiple submitters, no conflicts (2 of 4 stars). 2 submissions from 2 submitters: Uncertain significance (2). Last evaluated 2025-11-25.

Conditions:
Inborn genetic diseases. Identifiers: MedGen C0950123, MeSH D030342.

Submissions (2):

Ambry Genetics
Classification: Uncertain significance for Inborn genetic diseases. Last evaluated: 2025-11-25. Review status: criteria provided, single submitter. Criteria: Ambry Variant Classification Scheme 2023. Collection method: clinical testing. Allele origin: germline.
Comment: The p.C544R variant (also known as c.1630T>C), located in coding exon 11 of the ERCC6L2 gene, results from a T to C substitution at nucleotide position 1630. The cysteine at codon 544 is replaced by arginine, an amino acid with highly dissimilar properties. This amino acid position is conserved. In addition, this alteration is predicted to be deleterious by in silico analysis. Based on the available evidence, the clinical significance of this variant remains unclear.

Labcorp Genetics (formerly Invitae), Labcorp
Classification: Uncertain significance. Last evaluated: 2023-07-17. Review status: criteria provided, single submitter. Criteria: Invitae Variant Classification Sherloc (09022015). Collection method: clinical testing. Allele origin: germline.
Comment: In summary, the available evidence is currently insufficient to determine the role of this variant in disease. Therefore, it has been classified as a Variant of Uncertain Significance. Experimental studies and prediction algorithms are not available or were not evaluated, and the functional significance of this variant is currently unknown. This variant has not been reported in the literature in individuals affected with ERCC6L2-related conditions. This variant is not present in population databases (gnomAD no frequency). This sequence change replaces cysteine, which is neutral and slightly polar, with arginine, which is basic and polar, at codon 555 of the ERCC6L2 protein (p.Cys555Arg).